The following is an entry in ClinVar:

NM_006734.4(HIVEP2):c.3532A>G (p.Met1178Val)

Gene: HIVEP2 (HIVEP zinc finger 2; minus strand). Cytogenetic location: 6q24.2.
Variant type: single nucleotide variant.
Coding change: c.3532A>G on transcript NM_006734.4 (MANE Select); coding-DNA position 3532, A replaced by G.
Protein change: p.Met1178Val; replaces methionine 1178 with valine.
Molecular consequence: missense variant.
Genome position (GRCh38, 1-based): chr6:142,771,207, T>C on the plus strand (A>G on the coding strand, the complement: HIVEP2 is on the minus strand). VCF-style: chr6-142771207-T-C. GRCh37 (hg19) VCF-style: chr6-143092344-T-C.
Other names: short protein forms M1178V.
Identifiers: ClinVar variation 1334618 (VCV001334618.4), dbSNP rs2114650656, ClinGen allele CA365903726.

ClinVar aggregate classification (germline): Uncertain significance (1 of 4 stars; one submission).

Allele frequency attached by ClinVar (database versions not stated): gnomAD exomes below 0.00001.

Submission:

Greenwood Genetic Center Diagnostic Laboratories, Greenwood Genetic Center
Classification: Uncertain significance. Last evaluated: 2021-10-07. Review status: criteria provided, single submitter. Criteria: ACMG Guidelines, 2015. Collection method: clinical testing. Allele origin: germline. Affected: yes.
Comment: PM2